The following is an entry in ClinVar:

ClinVar aggregate classification (germline): Pathogenic (1 of 4 stars; one submission).

Submission:

Labcorp Genetics (formerly Invitae), Labcorp
Classification: Pathogenic. Last evaluated: 2022-10-25. Review status: criteria provided, single submitter. Criteria: Invitae Variant Classification Sherloc (09022015). Collection method: clinical testing. Allele origin: germline.
Comment: This variant is a gross deletion of the genomic region encompassing exon(s) 45-49 of the USH2A gene. This variant would be expected to be in-frame, preserving the integrity of the reading frame. A similar copy number variant has been observed in individual(s) with clinical features of USH2A-related conditions (Invitae). The region of the USH2A gene that includes exon(s) 45-49 has been determined to be clinically significant (PMID: 30190494, 30459346; Invitae). Therefore, deletions that encompass that region are likely to be disease-causing. For these reasons, this variant has been classified as Pathogenic.

Literature cited by the submitters: PubMed 30190494; PubMed 30459346.

NC_000001.10:g.(?_215987058)_(216019395_?)del

Gene: USH2A (usherin; minus strand). Cytogenetic location: 1q41.
Variant type: Deletion.
Identifiers: ClinVar variation 2427767 (VCV002427767.3).